The following is an entry in ClinVar:

NM_001378454.1(ALMS1):c.5365C>T (p.Pro1789Ser)

Gene: ALMS1 (ALMS1 centrosome and basal body associated protein; plus strand). Cytogenetic location: 2p13.1.
Variant type: single nucleotide variant.
Coding change: c.5365C>T on transcript NM_001378454.1 (MANE Select); coding-DNA position 5365, C replaced by T.
Protein change: p.Pro1789Ser; replaces proline 1789 with serine.
Molecular consequence: missense variant.
Genome position (GRCh38, 1-based): chr2:73,451,892, C>T. VCF-style: chr2-73451892-C-T. GRCh37 (hg19) VCF-style: chr2-73679019-C-T.
Other names: c.5368C>T, p.Pro1790Ser (NM_015120.4); short protein forms P1789S, P1790S.
Identifiers: ClinVar variation 1370547 (VCV001370547.4), dbSNP rs1479555928, ClinGen allele CA347281121.

ClinVar aggregate classification (germline): Uncertain significance (1 of 4 stars; one submission).

Conditions:
Alstrom syndrome (ALMS). Identifiers: Orphanet 64, MedGen C0268425, MONDO:0008763, OMIM 203800.

Allele frequency attached by ClinVar (database versions not stated): TOPMed 0.00001.

Submission:

Labcorp Genetics (formerly Invitae), Labcorp
Classification: Uncertain significance for Alstrom syndrome. Last evaluated: 2021-09-29. Review status: criteria provided, single submitter. Criteria: Invitae Variant Classification Sherloc (09022015). Collection method: clinical testing. Allele origin: germline.
Comment: In summary, the available evidence is currently insufficient to determine the role of this variant in disease. Therefore, it has been classified as a Variant of Uncertain Significance. Experimental studies and prediction algorithms are not available or were not evaluated, and the functional significance of this variant is currently unknown. This variant has not been reported in the literature in individuals with ALMS1-related conditions. This variant is not present in population databases (ExAC no frequency). This sequence change replaces proline with serine at codon 1790 of the ALMS1 protein (p.Pro1790Ser). The proline residue is weakly conserved and there is a moderate physicochemical difference between proline and serine.